The following is an entry in ClinVar:

NM_001303052.2(MYT1L):c.1584C>T (p.Ser528=)

Gene: MYT1L (myelin transcription factor 1 like; minus strand). Cytogenetic location: 2p25.3.
Variant type: single nucleotide variant.
Coding change: c.1584C>T on transcript NM_001303052.2 (MANE Select); coding-DNA position 1584, C replaced by T.
Protein change: p.Ser528=; no amino-acid change (serine 528 retained).
Molecular consequence: synonymous variant.
Genome position (GRCh38, 1-based): chr2:1,917,239, G>A on the plus strand (C>T on the coding strand, the complement: MYT1L is on the minus strand). VCF-style: chr2-1917239-G-A. GRCh37 (hg19) VCF-style: chr2-1921011-G-A.
Other names: c.1584C>T (NM_001303052.1); c.1584C>T, p.Ser528= (NM_001329844.2, NM_001329845.1, NM_001329851.3); c.1578C>T, p.Ser526= (NM_001329846.3, NM_001329847.2, NM_001329848.1 and 3 more transcripts).
Identifiers: ClinVar variation 740414 (VCV000740414.7), dbSNP rs763505001, ClinGen allele CA1514212.

ClinVar aggregate classification (germline): Likely benign. Review status: criteria provided, multiple submitters, no conflicts (2 of 4 stars). 3 submissions from 3 submitters: Likely benign (2). 1 of the submissions does not count toward it. Last evaluated 2026-05-01.

Conditions:
MYT1L-related disorder. Also called: MYT1L-related condition.

Allele frequency attached by ClinVar (database versions not stated): gnomAD exomes 0.00001 and 0.00003; gnomAD 0.00003 and 0.00004; ExAC 0.00004; TOPMed 0.00004.
gnomAD v4.1: 24 of 1,613,530 alleles (0.0015%); highest among the groups gnomAD compares: Middle Eastern, 0.016%; no homozygotes.

Submissions (3):

CeGaT Center for Human Genetics Tuebingen
Classification: Likely benign. Last evaluated: 2026-05-01. Review status: criteria provided, single submitter. Criteria: CeGaT Center For Human Genetics Tuebingen Variant Classification Criteria Version 2. Collection method: clinical testing. Allele origin: germline. Affected: yes. Observed: 1 variant allele.
Comment: MYT1L: BP4, BP7

Labcorp Genetics (formerly Invitae), Labcorp
Classification: Likely benign. Last evaluated: 2018-04-17. Review status: criteria provided, single submitter. Criteria: Invitae Variant Classification Sherloc (09022015). Collection method: clinical testing. Allele origin: germline.

PreventionGenetics, part of Exact Sciences
Classification: Likely benign for MYT1L-related condition. Last evaluated: 2019-05-08. Review status: no assertion criteria provided. Collection method: clinical testing. Allele origin: germline. Not counted in ClinVar's aggregate classification.
Comment: This variant is classified as likely benign based on ACMG/AMP sequence variant interpretation guidelines (Richards et al. 2015 PMID: 25741868, with internal and published modifications).